The following is an entry in ClinVar:

ClinVar aggregate classification (germline): Uncertain significance (1 of 4 stars; one submission).

Conditions:
Gingival disorder. Also called: Gingival disease. Identifiers: MedGen C0017563, MONDO:0002021.

Allele frequency attached by ClinVar (database versions not stated): gnomAD 0.00002; gnomAD exomes 0.00001; ExAC 0.00001; TOPMed 0.00002; 1000 Genomes Project 0.00020; 1000 Genomes Project 30x 0.00031.
gnomAD v4.1: 20 of 1,614,172 alleles (0.0012%); highest among the groups gnomAD compares: Admixed American, 0.028%; no homozygotes.

Submission:

Labcorp Genetics (formerly Invitae), Labcorp
Classification: Uncertain significance for Gingival disorder. Last evaluated: 2025-07-10. Review status: criteria provided, single submitter. Criteria: Invitae Variant Classification Sherloc (09022015). Collection method: clinical testing. Allele origin: germline.
Comment: This sequence change replaces leucine, which is neutral and non-polar, with valine, which is neutral and non-polar, at codon 118 of the FPR1 protein (p.Leu118Val). This variant is present in population databases (rs190373580, gnomAD 0.01%). This variant has not been reported in the literature in individuals affected with FPR1-related conditions. ClinVar contains an entry for this variant (Variation ID: 2729628). An algorithm developed to predict the effect of missense changes on protein structure and function outputs the following: PolyPhen-2: "Benign". The valine amino acid residue is found in multiple mammalian species, which suggests that this missense change does not adversely affect protein function. In summary, the available evidence is currently insufficient to determine the role of this variant in disease. Therefore, it has been classified as a Variant of Uncertain Significance.

NM_002029.4(FPR1):c.352C>G (p.Leu118Val)

Gene: FPR1 (formyl peptide receptor 1; minus strand). Cytogenetic location: 19q13.41.
Variant type: single nucleotide variant.
Coding change: c.352C>G on transcript NM_002029.4 (MANE Select); coding-DNA position 352, C replaced by G.
Protein change: p.Leu118Val; replaces leucine 118 with valine.
Molecular consequence: missense variant.
Genome position (GRCh38, 1-based): chr19:51,746,643, G>C on the plus strand (C>G on the coding strand, the complement: FPR1 is on the minus strand). VCF-style: chr19-51746643-G-C. GRCh37 (hg19) VCF-style: chr19-52249896-G-C.
Other names: c.352C>G, p.Leu118Val (NM_001193306.2); short protein forms L118V.
Identifiers: ClinVar variation 2729628 (VCV002729628.3), dbSNP rs190373580, ClinGen allele CA9616481.